The following is an entry in ClinVar:

NM_001916.5(CYC1):c.430G>A (p.Glu144Lys)

Gene: CYC1 (cytochrome c1; plus strand). Cytogenetic location: 8q24.3.
Variant type: single nucleotide variant.
Coding change: c.430G>A on transcript NM_001916.5 (MANE Select); coding-DNA position 430, G replaced by A.
Protein change: p.Glu144Lys; replaces glutamic acid 144 with lysine.
Molecular consequence: missense variant.
Genome position (GRCh38, 1-based): chr8:144,096,227, G>A. VCF-style: chr8-144096227-G-A. GRCh37 (hg19) VCF-style: chr8-145151130-G-A.
Other names: short protein forms E144K.
Identifiers: ClinVar variation 3694142 (VCV003694142.2).

ClinVar aggregate classification (germline): Uncertain significance (1 of 4 stars; one submission).

Submission:

Labcorp Genetics (formerly Invitae), Labcorp
Classification: Uncertain significance. Last evaluated: 2024-08-26. Review status: criteria provided, single submitter. Criteria: Invitae Variant Classification Sherloc (09022015). Collection method: clinical testing. Allele origin: germline.
Comment: This sequence change replaces glutamic acid, which is acidic and polar, with lysine, which is basic and polar, at codon 144 of the CYC1 protein (p.Glu144Lys). This variant is not present in population databases (gnomAD no frequency). This variant has not been reported in the literature in individuals affected with CYC1-related conditions. Invitae Evidence Modeling of protein sequence and biophysical properties (such as structural, functional, and spatial information, amino acid conservation, physicochemical variation, residue mobility, and thermodynamic stability) indicates that this missense variant is expected to disrupt CYC1 protein function with a positive predictive value of 80%. In summary, the available evidence is currently insufficient to determine the role of this variant in disease. Therefore, it has been classified as a Variant of Uncertain Significance.